The following is an entry in ClinVar:

NM_003900.5(SQSTM1):c.904G>A (p.Gly302Ser)

Gene: SQSTM1 (sequestosome 1; plus strand). Cytogenetic location: 5q35.3.
Variant type: single nucleotide variant.
Coding change: c.904G>A on transcript NM_003900.5 (MANE Select); coding-DNA position 904, G replaced by A.
Protein change: p.Gly302Ser; replaces glycine 302 with serine.
Molecular consequence: missense variant.
Genome position (GRCh38, 1-based): chr5:179,833,181, G>A. VCF-style: chr5-179833181-G-A. GRCh37 (hg19) VCF-style: chr5-179260181-G-A.
Other names: p.Gly302Ser; c.904G>A (NM_003900.4); c.652G>A, p.Gly218Ser (NM_001142298.2, NM_001142299.2); short protein forms G218S, G302S.
Identifiers: ClinVar variation 3752025 (VCV003752025.4).

ClinVar aggregate classification (germline): Uncertain significance. Review status: criteria provided, multiple submitters, no conflicts (2 of 4 stars). 3 submissions from 3 submitters: Uncertain significance (3). Last evaluated 2025-10-24.

Conditions:
Frontotemporal dementia and/or amyotrophic lateral sclerosis 1 (FTDALS1). Also called: Frontotemporal dementia with motor neuron disease 1; C9orf72 Frontotemporal Dementia and/or Amyotrophic Lateral Sclerosis. Identifiers: Orphanet 275872, MedGen C5779877, MONDO:0007105, OMIM 105550.
Paget disease of bone 2, early-onset (PDB2). Also called: Paget disease of bone 2. Identifiers: MedGen C4085251, MONDO:0011183, OMIM 602080.

Submissions (3):

Mayo Clinic Laboratories, Mayo Clinic
Classification: Uncertain significance. Last evaluated: 2025-10-24. Review status: criteria provided, single submitter. Criteria: ACMG Guidelines, 2015. Collection method: clinical testing. Allele origin: germline. Observed: 2 variant alleles.
Comment: BP4_moderate, PM2_supporting

GeneDx
Classification: Uncertain significance. Last evaluated: 2024-08-26. Review status: criteria provided, single submitter. Criteria: GeneDx Variant Classification Process June 2021. Collection method: clinical testing. Allele origin: germline. Affected: yes.
Comment: Not observed at significant frequency in large population cohorts (gnomAD); In silico analysis indicates that this missense variant does not alter protein structure/function; Has not been previously published as pathogenic or benign to our knowledge

Labcorp Genetics (formerly Invitae), Labcorp
Classification: Uncertain significance for Paget disease of bone 2, early-onset; Frontotemporal dementia and/or amyotrophic lateral sclerosis 1. Last evaluated: 2024-08-07. Review status: criteria provided, single submitter. Criteria: Invitae Variant Classification Sherloc (09022015). Collection method: clinical testing. Allele origin: germline.
Comment: This sequence change replaces glycine, which is neutral and non-polar, with serine, which is neutral and polar, at codon 302 of the SQSTM1 protein (p.Gly302Ser). This variant is not present in population databases (gnomAD no frequency). This variant has not been reported in the literature in individuals affected with SQSTM1-related conditions. Advanced modeling of protein sequence and biophysical properties (such as structural, functional, and spatial information, amino acid conservation, physicochemical variation, residue mobility, and thermodynamic stability) performed at Invitae indicates that this missense variant is not expected to disrupt SQSTM1 protein function with a negative predictive value of 80%. In summary, the available evidence is currently insufficient to determine the role of this variant in disease. Therefore, it has been classified as a Variant of Uncertain Significance.